The following is an entry in ClinVar:

NM_002972.4(SBF1):c.2076_2085dup (p.Ala696fs)

Gene: SBF1 (SET binding factor 1; minus strand). Cytogenetic location: 22q13.33.
Variant type: Duplication.
Coding change: c.2076_2085dup on transcript NM_002972.4 (MANE Select); coding-DNA positions 2076 to 2085, 10 bases duplicated (TCACATCCGG; older notation c.2076_2085dupTCACATCCGG).
Protein change: p.Ala696fs; shifts the reading frame from alanine 696.
Molecular consequence: frameshift variant.
Genome position (GRCh38, 1-based): chr22:50,462,601-50,462,610, CCGGATGTGA duplicated on the plus strand (TCACATCCGG on the coding strand, the reverse complement: SBF1 is on the minus strand). VCF-style (leftmost placement, unchanged base first): chr22-50462600-C-CCCGGATGTGA. GRCh37 (hg19) VCF-style: chr22-50901029-C-CCCGGATGTGA.
Other names: c.2079_2088dup, p.Ala697fs (NM_001365819.1, NM_001410794.1); c.2076_2085dup, p.Ala696fs (NM_001410795.1); short protein forms A696fs, A697fs.
Identifiers: ClinVar variation 5018865 (VCV005018865.2).
Genomic context (GRCh38, chr22:50,462,600, plus strand): 5'-CCAGGGAGTCCCTGCGCACCTGGGCGGGGGCCAGGTCCTCCGTGGGCTCCAGGTAGAGGG[C>CCCGGATGTGA]CCGGATGTGAGTCTGCACATCCCCATAGAACATGGCCTCCCAGAACTGTGGCGTGCTCCA-3'

ClinVar aggregate classification (germline): Likely pathogenic (1 of 4 stars; one submission).

Conditions:
Charcot-Marie-Tooth disease type 4B3. Also called: CHARCOT-MARIE-TOOTH DISEASE, DEMYELINATING, TYPE 4B3; Charcot-Marie-Tooth Neuropathy Type 4B3. Identifiers: Orphanet 363981, MedGen C3695063, MONDO:0014117, OMIM 615284.

Submission:

Juno Genomics, Hangzhou Juno Genomics, Inc
Classification: Likely pathogenic for Charcot-Marie-Tooth disease type 4B3. Review status: criteria provided, single submitter. Criteria: ACMG Guidelines, 2015. Collection method: clinical testing. Allele origin: germline.
Comment: Absent from controls (or at extremely low frequency if recessive) in Genome Aggregation Database.;Null variant in a gene where loss of function (LOF) is a known mechanism of disease.